The following is an entry in ClinVar:

NM_001365536.1(SCN9A):c.428T>C (p.Met143Thr)

Gene: SCN9A (sodium voltage-gated channel alpha subunit 9; minus strand). Cytogenetic location: 2q24.3.
Variant type: single nucleotide variant.
Coding change: c.428T>C on transcript NM_001365536.1 (MANE Select); coding-DNA position 428, T replaced by C.
Protein change: p.Met143Thr; replaces methionine 143 with threonine.
Molecular consequence: missense variant.
Genome position (GRCh38, 1-based): chr2:166,306,549, A>G on the plus strand (T>C on the coding strand, the complement: SCN9A is on the minus strand). VCF-style: chr2-166306549-A-G. GRCh37 (hg19) VCF-style: chr2-167163059-A-G.
Other names: c.428T>C, p.Met143Thr (NM_002977.4); short protein forms M143T.
Identifiers: ClinVar variation 1371803 (VCV001371803.6), dbSNP rs2106527292, ClinGen allele CA349095383.

ClinVar aggregate classification (germline): Uncertain significance (1 of 4 stars; one submission).

Conditions:
Generalized epilepsy with febrile seizures plus, type 7 (GEFSP7). Also called: GEFS+, TYPE 7. Identifiers: Orphanet 36387, MedGen C2751778, MONDO:0013470, OMIM 613863.
Neuropathy, hereditary sensory and autonomic, type 2A (HSAN2A). Also called: WNK1-Related HSAN2 (HSAN2A); HSAN IIA; NEUROPATHY, CONGENITAL SENSORY; MORVAN DISEASE; NEUROPATHY, HEREDITARY SENSORY RADICULAR, AUTOSOMAL RECESSIVE; NEUROPATHY, HEREDITARY SENSORY, TYPE IIA. Identifiers: Orphanet 970, MedGen C2752089, MONDO:0024309, OMIM 201300.

Allele frequency attached by ClinVar (database versions not stated): gnomAD exomes below 0.00001.

Submission:

Labcorp Genetics (formerly Invitae), Labcorp
Classification: Uncertain significance for Neuropathy, hereditary sensory and autonomic, type 2A; Generalized epilepsy with febrile seizures plus, type 7. Last evaluated: 2021-08-02. Review status: criteria provided, single submitter. Criteria: Invitae Variant Classification Sherloc (09022015). Collection method: clinical testing. Allele origin: germline.
Comment: In summary, the available evidence is currently insufficient to determine the role of this variant in disease. Therefore, it has been classified as a Variant of Uncertain Significance. Algorithms developed to predict the effect of missense changes on protein structure and function are either unavailable or do not agree on the potential impact of this missense change (SIFT: "Deleterious"; PolyPhen-2: "Possibly Damaging"; Align-GVGD: "Class C0"). This variant has not been reported in the literature in individuals affected with SCN9A-related conditions. This variant is not present in population databases (ExAC no frequency). This sequence change replaces methionine with threonine at codon 143 of the SCN9A protein (p.Met143Thr). The methionine residue is highly conserved and there is a moderate physicochemical difference between methionine and threonine.